The following is an entry in ClinVar:

ClinVar aggregate classification (germline): Uncertain significance (1 of 4 stars; one submission).

Submission:

Ambry Genetics
Classification: Uncertain significance. Last evaluated: 2022-12-18. Review status: criteria provided, single submitter. Criteria: Ambry Variant Classification Scheme 2023. Collection method: clinical testing. Allele origin: germline.
Comment: The p.S3948F variant (also known as c.11843C>T), located in coding exon 83 of the PRKDC gene, results from a C to T substitution at nucleotide position 11843. The serine at codon 3948 is replaced by phenylalanine, an amino acid with highly dissimilar properties. This amino acid position is conserved. Since supporting evidence is limited at this time, the clinical significance of this alteration remains unclear.

NM_006904.7(PRKDC):c.11843C>T (p.Ser3948Phe)

Gene: PRKDC (protein kinase, DNA-activated, catalytic subunit; minus strand). Cytogenetic location: 8q11.21.
Variant type: single nucleotide variant.
Coding change: c.11843C>T on transcript NM_006904.7 (MANE Select); coding-DNA position 11843, C replaced by T.
Protein change: p.Ser3948Phe; replaces serine 3948 with phenylalanine.
Molecular consequence: missense variant.
Genome position (GRCh38, 1-based): chr8:47,778,469, G>A on the plus strand (C>T on the coding strand, the complement: PRKDC is on the minus strand). VCF-style: chr8-47778469-G-A. GRCh37 (hg19) VCF-style: chr8-48691030-G-A.
Other names: c.11750C>T, p.Ser3917Phe (NM_001081640.2); short protein forms S3948F, S3917F.
Identifiers: ClinVar variation 2453177 (VCV002453177.2), dbSNP rs2551859864, ClinGen allele CA371128443.
Genomic context (GRCh38, chr8:47,778,469, plus strand): 5'-CTATGATGACTCTCGCCTTGCCCAGGATCACGAGAGCACAGCAAGTGCACCTGTGTAGCG[G>A]ATCCAAACGCATGCCCAAAGTCGATCCCGATCACGCCGCCAGTCTCCATGGCCACCATAA-3'
Protein context (NP_008835.5, residues 3938-3958): IGIDFGHAFG[Ser3948Phe]ATQFLPVPEL